The following is an entry in ClinVar:

ClinVar aggregate classification (germline): Uncertain significance. Review status: criteria provided, multiple submitters, no conflicts (2 of 4 stars). 3 submissions from 3 submitters: Uncertain significance (2). 1 of the submissions does not count toward it. Last evaluated 2025-01-19.

Conditions:
Inborn genetic diseases. Identifiers: MedGen C0950123, MeSH D030342.
MYO5B-related disorder. Also called: MYO5B-related condition.

Allele frequency attached by ClinVar (database versions not stated): ExAC 0.00002; gnomAD exomes 0.00003; TOPMed 0.00004.
gnomAD v4.1: 9 of 1,613,136 alleles (0.00056%); highest among the groups gnomAD compares: Admixed American, 0.015%; no homozygotes.

Submissions (3):

Ambry Genetics
Classification: Uncertain significance for Inborn genetic diseases. Last evaluated: 2025-01-19. Review status: criteria provided, single submitter. Criteria: Ambry Variant Classification Scheme 2023. Collection method: clinical testing. Allele origin: germline.

Labcorp Genetics (formerly Invitae), Labcorp
Classification: Uncertain significance. Last evaluated: 2020-10-03. Review status: criteria provided, single submitter. Criteria: Invitae Variant Classification Sherloc (09022015). Collection method: clinical testing. Allele origin: germline.
Comment: In summary, the available evidence is currently insufficient to determine the role of this variant in disease. Therefore, it has been classified as a Variant of Uncertain Significance. Algorithms developed to predict the effect of missense changes on protein structure and function do not agree on the potential impact of this missense change (SIFT: "Deleterious"; PolyPhen-2: "Possibly Damaging"; Align-GVGD: "Class C0"). This variant has not been reported in the literature in individuals with MYO5B-related disease. This variant is present in population databases (rs775393225, ExAC 0.02%). This sequence change replaces glycine with alanine at codon 1309 of the MYO5B protein (p.Gly1309Ala). The glycine residue is highly conserved and there is a small physicochemical difference between glycine and alanine.

PreventionGenetics, part of Exact Sciences
Classification: Uncertain significance for MYO5B-related condition. Last evaluated: 2024-08-22. Review status: no assertion criteria provided. Collection method: clinical testing. Allele origin: germline. Not counted in ClinVar's aggregate classification.
Comment: The MYO5B c.3926G>C variant is predicted to result in the amino acid substitution p.Gly1309Ala. To our knowledge, this variant has not been reported in the literature. This variant is reported in 0.023% of alleles in individuals of Latino descent in gnomAD. At this time, the clinical significance of this variant is uncertain due to the absence of conclusive functional and genetic evidence.

NM_001080467.3(MYO5B):c.3926G>C (p.Gly1309Ala)

Gene: MYO5B (myosin VB; minus strand). Cytogenetic location: 18q21.1.
Variant type: single nucleotide variant.
Coding change: c.3926G>C on transcript NM_001080467.3 (MANE Select); coding-DNA position 3926, G replaced by C.
Protein change: p.Gly1309Ala; replaces glycine 1309 with alanine.
Molecular consequence: missense variant.
Genome position (GRCh38, 1-based): chr18:49,863,245, C>G on the plus strand (G>C on the coding strand, the complement: MYO5B is on the minus strand). VCF-style: chr18-49863245-C-G. GRCh37 (hg19) VCF-style: chr18-47389615-C-G.
Other names: c.3926G>C (NM_001080467.2); short protein forms G1309A.
Identifiers: ClinVar variation 1045033 (VCV001045033.10), dbSNP rs775393225, ClinGen allele CA8960537.